The following is an entry in ClinVar:

NM_003737.4(DCHS1):c.6422G>A (p.Arg2141Gln)

Gene: DCHS1 (dachsous cadherin-related 1; minus strand). Cytogenetic location: 11p15.4.
Variant type: single nucleotide variant.
Coding change: c.6422G>A on transcript NM_003737.4 (MANE Select); coding-DNA position 6422, G replaced by A.
Protein change: p.Arg2141Gln; replaces arginine 2141 with glutamine.
Molecular consequence: missense variant.
Genome position (GRCh38, 1-based): chr11:6,626,323, C>T on the plus strand (G>A on the coding strand, the complement: DCHS1 is on the minus strand). VCF-style: chr11-6626323-C-T. GRCh37 (hg19) VCF-style: chr11-6647554-C-T.
Other names: c.6422G>A (NM_003737.2); short protein forms R2141Q.
Identifiers: ClinVar variation 1175031 (VCV001175031.37), dbSNP rs141488333, ClinGen allele CA5859860.

ClinVar aggregate classification (germline): Conflicting classifications of pathogenicity. Review status: criteria provided, conflicting classifications (1 of 4 stars). 8 submissions from 8 submitters: Uncertain significance (4); Likely benign (2). 2 of the submissions do not count toward it. Last evaluated 2026-01-17.

Conditions:
Inborn genetic diseases. Identifiers: MedGen C0950123, MeSH D030342.

Allele frequency attached by ClinVar (database versions not stated): gnomAD exomes 0.00014; ExAC 0.00017; ESP Exome Variant Server 0.00023; 1000 Genomes Project 30x 0.00047; 1000 Genomes Project 0.00060.
gnomAD v4.1: 321 of 1,613,578 alleles (0.02%); highest among the groups gnomAD compares: African/African-American, 0.031%; no homozygotes.

Submissions (8):

Labcorp Genetics (formerly Invitae), Labcorp
Classification: Likely benign. Last evaluated: 2026-01-17. Review status: criteria provided, single submitter. Criteria: Invitae Variant Classification Sherloc (09022015). Collection method: clinical testing. Allele origin: germline.

Ambry Genetics
Classification: Uncertain significance for Inborn genetic diseases. Last evaluated: 2025-04-18. Review status: criteria provided, single submitter. Criteria: Ambry Variant Classification Scheme 2023. Collection method: clinical testing. Allele origin: germline.

Blueprint Genetics
Classification: Uncertain significance. Last evaluated: 2024-04-08. Review status: criteria provided, single submitter. Criteria: ACMG Guidelines, 2015. Collection method: clinical testing. Allele origin: germline.

CeGaT Center for Human Genetics Tuebingen
Classification: Likely benign. Last evaluated: 2023-06-01. Review status: criteria provided, single submitter. Criteria: CeGaT Center For Human Genetics Tuebingen Variant Classification Criteria Version 2. Collection method: clinical testing. Allele origin: germline. Affected: yes. Observed: 1 variant allele.
Comment: DCHS1: BP4

GeneDx
Classification: Uncertain significance. Last evaluated: 2019-04-03. Review status: criteria provided, single submitter. Criteria: GeneDx Variant Classification Process June 2021. Collection method: clinical testing. Allele origin: germline. Affected: yes.
Comment: In silico analysis, which includes protein predictors and evolutionary conservation, supports that this variant does not alter protein structure/function; Has not been previously published as pathogenic or benign to our knowledge

Breakthrough Genomics
Classification: Uncertain significance. Review status: criteria provided, single submitter. Criteria: ACMG Guidelines, 2015. Collection method: not provided. Allele origin: germline. Inheritance: Autosomal recessive inheritance. Affected: yes.

Clinical Genetics DNA and cytogenetics Diagnostics Lab, Erasmus MC, Erasmus Medical Center
Classification: Uncertain significance. Review status: no assertion criteria provided. Collection method: clinical testing. Allele origin: germline. Affected: yes. Study: VKGL Data-share Consensus. Not counted in ClinVar's aggregate classification.

Diagnostic Laboratory, Department of Genetics, University Medical Center Groningen
Classification: Uncertain significance. Review status: no assertion criteria provided. Collection method: clinical testing. Allele origin: germline. Affected: yes. Study: VKGL Data-share Consensus. Not counted in ClinVar's aggregate classification.